The following is an entry in ClinVar:

NM_001042492.3(NF1):c.7443T>C (p.Gly2481=)

Gene: NF1 (neurofibromin 1; plus strand). Cytogenetic location: 17q11.2.
Variant type: single nucleotide variant.
Coding change: c.7443T>C on transcript NM_001042492.3 (MANE Select); coding-DNA position 7443, T replaced by C.
Protein change: p.Gly2481=; no amino-acid change (glycine 2481 retained).
Molecular consequence: synonymous variant.
Genome position (GRCh38, 1-based): chr17:31,350,304, T>C. VCF-style: chr17-31350304-T-C. GRCh37 (hg19) VCF-style: chr17-29677322-T-C.
Other names: c.7380T>C, p.Gly2460= (NM_000267.4).
Identifiers: ClinVar variation 1618662 (VCV001618662.10), dbSNP rs2151574639, ClinGen allele CA499239215.

ClinVar aggregate classification (germline): Benign/Likely benign. Review status: criteria provided, multiple submitters, no conflicts (2 of 4 stars). 3 submissions from 3 submitters: Benign (1); Likely benign (2). Last evaluated 2026-09-28.

Conditions:
Neurofibromatosis, type 1 (NF1). Also called: NEUROFIBROMATOSIS, TYPE I, SOMATIC; Neurofibromatosis, type I; VON RECKLINGHAUSEN DISEASE; Peripheral type neurofibromatosis. Identifiers: Orphanet 636, MedGen C0027831, MONDO:0018975, OMIM 162200. Disease mechanism: loss of function.
Cardiovascular phenotype. Identifiers: MedGen CN230736.
Hereditary cancer-predisposing syndrome. Also called: Neoplastic Syndromes, Hereditary; Tumor predisposition; Hereditary Cancer Syndrome; Hereditary neoplastic syndrome. Identifiers: Orphanet 140162, MedGen C0027672, MeSH D009386, MONDO:0015356.

Submissions (3):

Myriad Genetics, Inc.
Classification: Benign for Neurofibromatosis, type 1. Last evaluated: 2026-09-28. Review status: criteria provided, single submitter. Criteria: Myriad Autosomal Dominant, Autosomal Recessive and X-Linked Classification Criteria (2023). Collection method: clinical testing. Allele origin: unknown.
Comment: This variant is considered benign. This variant is a silent/synonymous amino acid change and it is not expected to impact splicing.

Labcorp Genetics (formerly Invitae), Labcorp
Classification: Likely benign for Neurofibromatosis, type 1. Last evaluated: 2024-07-10. Review status: criteria provided, single submitter. Criteria: Invitae Variant Classification Sherloc (09022015). Collection method: clinical testing. Allele origin: germline.

Ambry Genetics
Classification: Likely benign for Cardiovascular phenotype; Hereditary cancer-predisposing syndrome. Last evaluated: 2023-09-28. Review status: criteria provided, single submitter. Criteria: Ambry Variant Classification Scheme 2023. Collection method: clinical testing. Allele origin: germline.